The following is an entry in ClinVar:

NM_002834.5(PTPN11):c.880G>T (p.Asp294Tyr)

Gene: PTPN11 (protein tyrosine phosphatase non-receptor type 11; plus strand). Cytogenetic location: 12q24.13.
Variant type: single nucleotide variant.
Coding change: c.880G>T on transcript NM_002834.5 (MANE Select); coding-DNA position 880, G replaced by T.
Protein change: p.Asp294Tyr; replaces aspartic acid 294 with tyrosine.
Molecular consequence: missense variant.
Genome position (GRCh38, 1-based): chr12:112,477,677, G>T. VCF-style: chr12-112477677-G-T. GRCh37 (hg19) VCF-style: chr12-112915481-G-T.
Other names: c.880G>T, p.Asp294Tyr (NM_001330437.2, NM_080601.3); c.877G>T, p.Asp293Tyr (NM_001374625.1); short protein forms D293Y, D294Y.
Identifiers: ClinVar variation 2902551 (VCV002902551.4), dbSNP rs376007642, ClinGen allele CA243711919.

ClinVar aggregate classification (germline): Uncertain significance. Review status: criteria provided, multiple submitters, no conflicts (2 of 4 stars). 2 submissions from 2 submitters: Uncertain significance (2). Last evaluated 2024-12-17.

Conditions:
Cardiovascular phenotype. Identifiers: MedGen CN230736.
RASopathy. Also called: rasopathies; Noonan spectrum disorder. Identifiers: Orphanet 536391, MedGen C5555857, MONDO:0021060.

gnomAD v4.1: 1 of 1,613,048 alleles (0.000062%); no homozygotes.

Submissions (2):

Labcorp Genetics (formerly Invitae), Labcorp
Classification: Uncertain significance for RASopathy. Last evaluated: 2024-12-17. Review status: criteria provided, single submitter. Criteria: Invitae Variant Classification Sherloc (09022015). Collection method: clinical testing. Allele origin: germline.
Comment: This sequence change replaces aspartic acid, which is acidic and polar, with tyrosine, which is neutral and polar, at codon 294 of the PTPN11 protein (p.Asp294Tyr). This variant is present in population databases (no rsID available, gnomAD 0.0009%). This variant has not been reported in the literature in individuals affected with PTPN11-related conditions. ClinVar contains an entry for this variant (Variation ID: 2902551). Invitae Evidence Modeling of protein sequence and biophysical properties (such as structural, functional, and spatial information, amino acid conservation, physicochemical variation, residue mobility, and thermodynamic stability) has been performed for this missense variant. However, the output from this modeling did not meet the statistical confidence thresholds required to predict the impact of this variant on PTPN11 protein function. In summary, the available evidence is currently insufficient to determine the role of this variant in disease. Therefore, it has been classified as a Variant of Uncertain Significance.

Ambry Genetics
Classification: Uncertain significance for Cardiovascular phenotype. Last evaluated: 2024-12-07. Review status: criteria provided, single submitter. Criteria: Ambry Variant Classification Scheme 2023. Collection method: clinical testing. Allele origin: germline.
Comment: The p.D294Y variant (also known as c.880G>T), located in coding exon 8 of the PTPN11 gene, results from a G to T substitution at nucleotide position 880. The aspartic acid at codon 294 is replaced by tyrosine, an amino acid with highly dissimilar properties. This amino acid position is conserved. In addition, this alteration is predicted to be deleterious by in silico analysis. Based on the available evidence, the clinical significance of this variant remains unclear.